The following is an entry in ClinVar:

NM_004360.5(CDH1):c.2174T>G (p.Leu725Arg)

Gene: CDH1 (cadherin 1; plus strand). Cytogenetic location: 16q22.1.
Variant type: single nucleotide variant.
Coding change: c.2174T>G on transcript NM_004360.5 (MANE Select); coding-DNA position 2174, T replaced by G.
Protein change: p.Leu725Arg; replaces leucine 725 with arginine.
Molecular consequence: missense variant.
Genome position (GRCh38, 1-based): chr16:68,828,183, T>G. VCF-style: chr16-68828183-T-G. GRCh37 (hg19) VCF-style: chr16-68862086-T-G.
Other names: c.1991T>G, p.Leu664Arg (NM_001317184.2); c.626T>G, p.Leu209Arg (NM_001317185.2); c.209T>G, p.Leu70Arg (NM_001317186.2); short protein forms L664R, L70R, L209R, L725R.
Identifiers: ClinVar variation 1491373 (VCV001491373.8), dbSNP rs2152141384, ClinGen allele CA396469280.
Genomic context (GRCh38, chr16:68,828,183, plus strand): 5'-CTTCTTTATCTTTGGCTCTCAACACTTGCTCTGTCTCCCCCACCATCCCAGTTCTGATTC[T>G]GCTGCTCTTGCTGTTTCTTCGGAGGAGAGCGGTGGTCAAAGAGCCCTTACTGCCCCCAGA-3'
Protein context (NP_004351.1, residues 715-735): GGILALLILI[Leu725Arg]LLLLFLRRRA

ClinVar aggregate classification (germline): Uncertain significance. Review status: criteria provided, multiple submitters, no conflicts (2 of 4 stars). 2 submissions from 2 submitters: Uncertain significance (2). Last evaluated 2024-01-11.

Conditions:
Hereditary diffuse gastric adenocarcinoma (HDGC). Also called: DIFFUSE GASTRIC AND LOBULAR BREAST CANCER SYNDROME. Identifiers: Orphanet 26106, MedGen C1708349, MONDO:0007648, OMIM 137215.
Hereditary cancer-predisposing syndrome. Also called: Neoplastic Syndromes, Hereditary; Tumor predisposition; Hereditary neoplastic syndrome; Hereditary Cancer Syndrome. Identifiers: Orphanet 140162, MedGen C0027672, MeSH D009386, MONDO:0015356.

Submissions (2):

Ambry Genetics
Classification: Uncertain significance for Hereditary cancer-predisposing syndrome. Last evaluated: 2024-01-11. Review status: criteria provided, single submitter. Criteria: Ambry Variant Classification Scheme 2023. Collection method: clinical testing. Allele origin: germline.
Comment: The p.L725R variant (also known as c.2174T>G), located in coding exon 14 of the CDH1 gene, results from a T to G substitution at nucleotide position 2174. The leucine at codon 725 is replaced by arginine, an amino acid with dissimilar properties. This amino acid position is highly conserved in available vertebrate species. In addition, this alteration is predicted to be deleterious by in silico analysis. Since supporting evidence is limited at this time, the clinical significance of this alteration remains unclear.

Labcorp Genetics (formerly Invitae), Labcorp
Classification: Uncertain significance for Hereditary diffuse gastric adenocarcinoma. Last evaluated: 2021-10-12. Review status: criteria provided, single submitter. Criteria: Invitae Variant Classification Sherloc (09022015). Collection method: clinical testing. Allele origin: germline.
Comment: This sequence change replaces leucine with arginine at codon 725 of the CDH1 protein (p.Leu725Arg). The leucine residue is highly conserved and there is a moderate physicochemical difference between leucine and arginine. This variant is not present in population databases (ExAC no frequency). This variant has not been reported in the literature in individuals affected with CDH1-related conditions. Algorithms developed to predict the effect of missense changes on protein structure and function (SIFT, PolyPhen-2, Align-GVGD) all suggest that this variant is likely to be disruptive. In summary, the available evidence is currently insufficient to determine the role of this variant in disease. Therefore, it has been classified as a Variant of Uncertain Significance.